The following is an entry in ClinVar:

ClinVar aggregate classification (germline): Uncertain significance (1 of 4 stars; one submission).

Conditions:
Nephronophthisis 16 (NPHP16). Identifiers: Orphanet 655, MedGen C3809320, MONDO:0014158, OMIM 615382.

Allele frequency attached by ClinVar (database versions not stated): TOPMed below 0.00001; gnomAD 0.00001.
gnomAD v4.1: 2 of 1,613,998 alleles (0.00012%); highest among the groups gnomAD compares: Non-Finnish European, 0.00017%; no homozygotes.

Submission:

Labcorp Genetics (formerly Invitae), Labcorp
Classification: Uncertain significance for Nephronophthisis 16. Last evaluated: 2026-01-12. Review status: criteria provided, single submitter. Criteria: Invitae Variant Classification Sherloc (09022015). Collection method: clinical testing. Allele origin: germline.
Comment: This sequence change replaces glutamine, which is neutral and polar, with glutamic acid, which is acidic and polar, at codon 681 of the ANKS6 protein (p.Gln681Glu). This variant is present in population databases (no rsID available, gnomAD 0.0009%). This variant has not been reported in the literature in individuals affected with ANKS6-related conditions. ClinVar contains an entry for this variant (Variation ID: 1940769). An algorithm developed to predict the effect of missense changes on protein structure and function (PolyPhen-2) suggests that this variant is likely to be tolerated. In summary, the available evidence is currently insufficient to determine the role of this variant in disease. Therefore, it has been classified as a Variant of Uncertain Significance.

NM_173551.5(ANKS6):c.2041C>G (p.Gln681Glu)

Gene: ANKS6 (ankyrin repeat and sterile alpha motif domain containing 6; minus strand). Cytogenetic location: 9q22.33.
Variant type: single nucleotide variant.
Coding change: c.2041C>G on transcript NM_173551.5 (MANE Select); coding-DNA position 2041, C replaced by G.
Protein change: p.Gln681Glu; replaces glutamine 681 with glutamic acid.
Molecular consequence: missense variant.
Genome position (GRCh38, 1-based): chr9:98,768,182, G>C on the plus strand (C>G on the coding strand, the complement: ANKS6 is on the minus strand). VCF-style: chr9-98768182-G-C. GRCh37 (hg19) VCF-style: chr9-101530464-G-C.
Other names: short protein forms Q681E.
Identifiers: ClinVar variation 1940769 (VCV001940769.5), dbSNP rs1179045527, ClinGen allele CA374214570.